The following is an entry in ClinVar:

NM_004628.5(XPC):c.1306del (p.Ser436fs)

Gene: XPC (XPC complex subunit, DNA damage recognition and repair factor; minus strand). Cytogenetic location: 3p25.1.
Variant type: Deletion.
Coding change: c.1306del on transcript NM_004628.5 (MANE Select); coding-DNA position 1306, one base deleted (A; older notation c.1306delA).
Protein change: p.Ser436fs; shifts the reading frame from serine 436.
Molecular consequence: frameshift variant. On other transcripts: non-coding transcript variant (2).
Genome position (GRCh38, 1-based): chr3:14,158,577, T deleted on the plus strand (A on the coding strand, the reverse complement: XPC is on the minus strand). VCF-style (leftmost placement, unchanged base first): chr3-14158576-CT-C. GRCh37 (hg19) VCF-style: chr3-14200076-CT-C.
Other names: c.727del, p.Ser243fs (NM_001354726.2); c.1306del, p.Ser436fs (NM_001354727.2, NM_001354730.2); c.1288del, p.Ser430fs (NM_001354729.2); short protein forms S430fs, S243fs, S436fs.
Identifiers: ClinVar variation 1438933 (VCV001438933.7), dbSNP rs1253035928, ClinGen allele CA541676372.
Genomic context (GRCh38, chr3:14,158,576, plus strand): 5'-GAGGGATCAGAGGCTTCTCCACTGGAGAGCTCAAAATCAGAGCCGCTGCCAGCCTCATCA[CT>C]CCCACTCTCCTCTTTATAAGACACCCTGGAGGCCACCCGCCGCTCCCGGCCATGCGGACG-3'

ClinVar aggregate classification (germline): Pathogenic/Likely pathogenic. Review status: criteria provided, multiple submitters, no conflicts (2 of 4 stars). 2 submissions from 2 submitters: Pathogenic (1); Likely pathogenic (1). Last evaluated 2023-12-19.

Conditions:
Xeroderma pigmentosum, group C (XPC). Also called: Xeroderma pigmentosum, complementation group C; XPC-Related Xeroderma Pigmentosum; XERODERMA PIGMENTOSUM III; XP, GROUP C. Identifiers: Orphanet 910, MedGen C2752147, MONDO:0010211, OMIM 278720.

Allele frequency attached by ClinVar (database versions not stated): gnomAD exomes below 0.00001.

Submissions (2):

Baylor Genetics
Classification: Likely pathogenic for Xeroderma pigmentosum, group C. Last evaluated: 2023-12-19. Review status: criteria provided, single submitter. Criteria: ACMG Guidelines, 2015. Collection method: clinical testing. Allele origin: unknown.

Labcorp Genetics (formerly Invitae), Labcorp
Classification: Pathogenic. Last evaluated: 2022-09-27. Review status: criteria provided, single submitter. Criteria: Invitae Variant Classification Sherloc (09022015). Collection method: clinical testing. Allele origin: germline.
Comment: This sequence change creates a premature translational stop signal (p.Ser436Valfs*90) in the XPC gene. It is expected to result in an absent or disrupted protein product. Loss-of-function variants in XPC are known to be pathogenic (PMID: 23173980, 25256075). This variant is present in population databases (no rsID available, gnomAD 0.0009%). This variant has not been reported in the literature in individuals affected with XPC-related conditions. ClinVar contains an entry for this variant (Variation ID: 1438933). For these reasons, this variant has been classified as Pathogenic.

Literature cited by the submitters: PubMed 23173980 (cited by Labcorp Genetics (formerly Invitae), Labcorp); PubMed 25256075 (cited by Labcorp Genetics (formerly Invitae), Labcorp).